The following is an entry in ClinVar:

ClinVar aggregate classification (germline): Pathogenic. Review status: criteria provided, multiple submitters, no conflicts (2 of 4 stars). 2 submissions from 2 submitters: Pathogenic (2). Last evaluated 2023-07-31.

Conditions:
Autosomal recessive nonsyndromic hearing loss 4 (DFNB4). Also called: FOXI1-Related Pendred Syndrome; KCNJ10-Related Pendred Syndrome; DEAFNESS, AUTOSOMAL RECESSIVE 4, WITH ENLARGED VESTIBULAR AQUEDUCT, DIGENIC; Deafness, autosomal recessive 4; NEUROSENSORY NONSYNDROMIC RECESSIVE DEAFNESS 4; Nonsyndromic enlarged vestibular aqueduct (NSEVA). Identifiers: Orphanet 90636, MedGen C3538946, MONDO:0010933, OMIM 600791.

Allele frequency attached by ClinVar (database versions not stated): gnomAD exomes below 0.00001; TOPMed below 0.00001; gnomAD 0.00001.

Submissions (2):

Labcorp Genetics (formerly Invitae), Labcorp
Classification: Pathogenic. Last evaluated: 2023-07-31. Review status: criteria provided, single submitter. Criteria: Invitae Variant Classification Sherloc (09022015). Collection method: clinical testing. Allele origin: germline.
Comment: For these reasons, this variant has been classified as Pathogenic. This sequence change creates a premature translational stop signal (p.Cys662Leufs*26) in the SLC26A4 gene. It is expected to result in an absent or disrupted protein product. Loss-of-function variants in SLC26A4 are known to be pathogenic (PMID: 16283880, 25394566, 26252218, 26445815). This variant is not present in population databases (gnomAD no frequency). This variant has not been reported in the literature in individuals affected with SLC26A4-related conditions. ClinVar contains an entry for this variant (Variation ID: 1070843).

Baylor Genetics
Classification: Pathogenic for Autosomal recessive nonsyndromic hearing loss 4. Last evaluated: 2023-06-17. Review status: criteria provided, single submitter. Criteria: ACMG Guidelines, 2015. Collection method: clinical testing. Allele origin: unknown.

Literature cited by the submitters: PubMed 16283880 (cited by Labcorp Genetics (formerly Invitae), Labcorp); PubMed 25394566 (cited by Labcorp Genetics (formerly Invitae), Labcorp); PubMed 26252218 (cited by Labcorp Genetics (formerly Invitae), Labcorp); PubMed 26445815 (cited by Labcorp Genetics (formerly Invitae), Labcorp).

NM_000441.2(SLC26A4):c.1984dup (p.Cys662fs)

Gene: SLC26A4 (solute carrier family 26 member 4; plus strand). Cytogenetic location: 7q22.3.
Variant type: Duplication.
Coding change: c.1984dup on transcript NM_000441.2 (MANE Select); coding-DNA position 1984, one base duplicated (T; older notation c.1984dupT).
Protein change: p.Cys662fs; shifts the reading frame from cysteine 662.
Molecular consequence: frameshift variant.
Genome position (GRCh38, 1-based): chr7:107,702,007, T duplicated. VCF-style (leftmost placement, unchanged base first): chr7-107702006-C-CT. GRCh37 (hg19) VCF-style: chr7-107342451-C-CT.
Other names: short protein forms C662fs.
Identifiers: ClinVar variation 1070843 (VCV001070843.8), dbSNP rs1271700356, ClinGen allele CA831169597.